The following is an entry in ClinVar:

NM_015570.4(AUTS2):c.1592A>G (p.His531Arg)

Gene: AUTS2 (activator of transcription and developmental regulator AUTS2; plus strand). Cytogenetic location: 7q11.22.
Variant type: single nucleotide variant.
Coding change: c.1592A>G on transcript NM_015570.4 (MANE Select); coding-DNA position 1592, A replaced by G.
Protein change: p.His531Arg; replaces histidine 531 with arginine.
Molecular consequence: missense variant.
Genome position (GRCh38, 1-based): chr7:70,766,237, A>G. VCF-style: chr7-70766237-A-G. GRCh37 (hg19) VCF-style: chr7-70231223-A-G.
Other names: c.1592A>G, p.His531Arg (NM_001127231.3); short protein forms H531R.
Identifiers: ClinVar variation 2632944 (VCV002632944.1), dbSNP rs2484683408, ClinGen allele CA367668912.

ClinVar aggregate classification (germline): Likely pathogenic (1 of 4 stars; one submission).

Conditions:
AUTS2-related disorder. Also called: AUTS2-related condition.

Submission:

PreventionGenetics, part of Exact Sciences
Classification: Likely pathogenic for AUTS2-related condition. Last evaluated: 2023-05-27. Review status: criteria provided, single submitter. Criteria: ACMG Guidelines, 2015. Collection method: clinical testing. Allele origin: germline.
Comment: The AUTS2 c.1592A>G variant is predicted to result in the amino acid substitution p.His531Arg. To our knowledge, this variant has not been reported in the literature or in a large population database, indicating this variant is rare. This variant is interpreted as likely pathogenic.